The following is an entry in ClinVar:

ClinVar aggregate classification (germline): Uncertain significance (1 of 4 stars; one submission).

Conditions:
Cardiomyopathy (CMYO). Also called: Cardiomyopathies. Identifiers: Orphanet 167848, MedGen C0878544, MONDO:0004994, HP:0001638. Inheritance: Various modes of inheritance.

Allele frequency attached by ClinVar (database versions not stated): ExAC 0.00001; gnomAD exomes 0.00001.

Submission:

Color Diagnostics, LLC DBA Color Health
Classification: Uncertain significance for Cardiomyopathy. Last evaluated: 2022-12-05. Review status: criteria provided, single submitter. Criteria: ACMG Guidelines, 2015. Collection method: clinical testing. Allele origin: germline.
Comment: This missense variant replaces alanine with threonine at codon 151 of the lamin A/C protein. Computational prediction suggests that this variant may have deleterious impact on protein structure and function (internally defined REVEL score threshold >= 0.7, PMID: 27666373). To our knowledge, functional studies have not been reported for this variant. This variant has not been reported in individuals affected with LMNA-related disorders in the literature. This variant has been identified in 1/249380 chromosomes in the general population by the Genome Aggregation Database (gnomAD). The available evidence is insufficient to determine the role of this variant in disease conclusively. Therefore, this variant is classified as a Variant of Uncertain Significance.

NM_170707.4(LMNA):c.451G>A (p.Ala151Thr)

Genes: LMNA (lamin A/C; plus strand), LOC126805877 (MED14-independent group 3 enhancer GRCh37_chr1:156099693-156100892; plus strand). Cytogenetic location: 1q22.
Variant type: single nucleotide variant.
Coding change: c.451G>A on transcript NM_170707.4 (MANE Select); coding-DNA position 451, G replaced by A.
Protein change: p.Ala151Thr; replaces alanine 151 with threonine.
Molecular consequence: missense variant. On other transcripts: 5 prime UTR variant (7), intron variant (4).
Genome position (GRCh38, 1-based): chr1:156,130,711, G>A. VCF-style: chr1-156130711-G-A. GRCh37 (hg19) VCF-style: chr1-156100502-G-A.
Other names: c.115G>A, p.Ala39Thr (NM_001257374.3, NM_001406989.1, NM_001406998.1); c.208G>A, p.Ala70Thr (NM_001282624.2, NM_001406986.1, NM_001406987.1); c.451G>A, p.Ala151Thr (NM_001282625.2, NM_001282626.2, NM_001406983.1 and 6 more transcripts); c.154G>A, p.Ala52Thr (NM_001406988.1); c.-108G>A (NM_001406993.1, NM_001406996.1, NM_001406997.1 and 1 more transcripts); c.-214G>A (NM_001406994.1, NM_001406999.1, NM_001407000.1); c.-45-3692G>A (NM_001407002.1, NM_001406995.1, NM_001406990.1); c.-151-3692G>A (NM_001407001.1); short protein forms A39T, A70T, A151T, A52T.
Identifiers: ClinVar variation 2773536 (VCV002773536.2), dbSNP rs766291714, ClinGen allele CA053473.